The following is an entry in ClinVar:

NM_015141.4(GPD1L):c.917_918delinsGG (p.Ala306Gly)

Gene: GPD1L (glycerol-3-phosphate dehydrogenase 1 like; plus strand). Cytogenetic location: 3p22.3.
Variant type: Indel.
Coding change: c.917_918delinsGG on transcript NM_015141.4 (MANE Select); coding-DNA positions 917 to 918, CT replaced by GG.
Protein change: p.Ala306Gly; replaces alanine 306 with glycine.
Molecular consequence: missense variant.
Genome position (GRCh38, 1-based): chr3:32,159,632-32,159,633, CT replaced by GG. VCF-style: chr3-32159632-CT-GG. GRCh37 (hg19) VCF-style: chr3-32201124-CT-GG.
Other names: short protein forms A306G.
Identifiers: ClinVar variation 1023066 (VCV001023066.8), dbSNP rs1701049565, ClinGen allele CA1355582997.

ClinVar aggregate classification (germline): Uncertain significance. Review status: criteria provided, multiple submitters, no conflicts (2 of 4 stars). 2 submissions from 2 submitters: Uncertain significance (2). Last evaluated 2025-09-15.

Conditions:
Brugada syndrome. Also called: Sudden unexplained nocturnal death syndrome; Sudden unexpected nocturnal death syndrome; Sudden Unexplained Death Syndrome; Sudden Unexplained Nocturnal Death Syndrome (SUNDS). Identifiers: Orphanet 130, MedGen C1142166, MONDO:0015263.
Cardiovascular phenotype. Identifiers: MedGen CN230736.

Submissions (2):

Ambry Genetics
Classification: Uncertain significance for Cardiovascular phenotype. Last evaluated: 2025-09-15. Review status: criteria provided, single submitter. Criteria: Ambry Variant Classification Scheme 2023. Collection method: clinical testing. Allele origin: germline.
Comment: The c.917_918delCTinsGG variant (also known as p.A306G), located in coding exon 7 of the GPD1L gene, results from an in-frame deletion of CT and insertion of GG at nucleotide positions 917 to 918. This results in the substitution of the alanine residue for a glycine residue at codon 306, an amino acid with similar properties. This variant co-occurred with variants in the SCN5A and TRDN genes in an individual reported to have Brugada syndrome; however, details were limited (van Lint FHM et al. Neth Heart J, 2019 Jun;27:304-309). This amino acid position is highly conserved in available vertebrate species. In addition, this alteration is predicted to be neutral by in silico analysis (Choi Y et al. PLoS ONE. 2012; 7(10):e46688). Based on data from gnomAD, the delCTinsGG allele has an overall frequency of <0.01% (4/282406) total alleles studied. The highest observed frequency was <0.01% (4/128860) of European (non-Finnish) alleles. The evidence for this gene-disease relationship is limited; therefore, the clinical significance of this alteration is unclear.

Labcorp Genetics (formerly Invitae), Labcorp
Classification: Uncertain significance for Brugada syndrome. Last evaluated: 2024-11-30. Review status: criteria provided, single submitter. Criteria: Invitae Variant Classification Sherloc (09022015). Collection method: clinical testing. Allele origin: germline.
Comment: This sequence change replaces alanine, which is neutral and non-polar, with glycine, which is neutral and non-polar, at codon 306 of the GPD1L protein (p.Ala306Gly). This variant is present in population databases (no rsID available, gnomAD 0.001%). This variant has not been reported in the literature in individuals affected with GPD1L-related conditions. ClinVar contains an entry for this variant (Variation ID: 1023066). An algorithm developed to predict the effect of missense changes on protein structure and function (PolyPhen-2) suggests that this variant is likely to be disruptive. In summary, the available evidence is currently insufficient to determine the role of this variant in disease. Therefore, it has been classified as a Variant of Uncertain Significance.

Literature cited by the submitters: PubMed 30847666 (cited by Ambry Genetics).